The following is an entry in ClinVar:

NM_000081.4(LYST):c.4361C>A (p.Ala1454Asp)

Gene: LYST (lysosomal trafficking regulator; minus strand). Cytogenetic location: 1q42.3.
Variant type: single nucleotide variant.
Coding change: c.4361C>A on transcript NM_000081.4 (MANE Select); coding-DNA position 4361, C replaced by A.
Protein change: p.Ala1454Asp; replaces alanine 1454 with aspartic acid.
Molecular consequence: missense variant.
Genome position (GRCh38, 1-based): chr1:235,791,881, G>T on the plus strand (C>A on the coding strand, the complement: LYST is on the minus strand). VCF-style: chr1-235791881-G-T. GRCh37 (hg19) VCF-style: chr1-235955181-G-T.
Other names: c.4361C>A, p.Ala1454Asp (NM_001301365.1); short protein forms A1454D.
Identifiers: ClinVar variation 65542 (VCV000065542.5), dbSNP rs80338655, ClinGen allele CA344854.
Genomic context (GRCh38, chr1:235,791,881, plus strand): 5'-CTGAAACCTTCTGATAGGTGTGGCCAGCAGTTTTGCCCCAGCAACGGCAGGTGGACTGGG[G>T]CTATGTGCCAAGATGAAAGCAGCCGATGGGGAAAACTCTCTCTATCAGCCTCTTTCTTGC-3'
Protein context (NP_000072.2, residues 1444-1464): PHRLLSSWHI[Ala1454Asp]PVHLPLLGQN

ClinVar aggregate classification (germline): Likely pathogenic. Review status: criteria provided, single submitter (1 of 4 stars). 2 submissions from 2 submitters: Likely pathogenic (1). 1 of the submissions does not count toward it. Last evaluated 2025-10-15.

Conditions:
Chédiak-Higashi syndrome (CHS). Also called: Chediak-Higashi Syndrome. Identifiers: Orphanet 167, MedGen C0007965, MONDO:0008963, OMIM 214500.

Submissions (2):

Women's Health and Genetics/Laboratory Corporation of America, LabCorp
Classification: Likely pathogenic for Chédiak-Higashi syndrome. Last evaluated: 2025-10-15. Review status: criteria provided, single submitter. Criteria: LabCorp Variant Classification Summary - May 2015. Collection method: clinical testing. Allele origin: germline.
Comment: Variant summary: LYST c.4361C>A (p.Ala1454Asp) results in a non-conservative amino acid change in the encoded protein sequence. Algorithms developed to predict the effect of missense changes on protein structure and function are either unavailable or do not agree on the potential impact of this missense change. The variant was absent in 251130 control chromosomes. c.4361C>A has been observed in presumably compound heterozygous individual(s) from two independent families affected with Chediak-Higashi Syndrome (Karim_2002, Introne_2016). These data indicate that the variant is likely to be associated with disease. To our knowledge, no experimental evidence demonstrating an impact on protein function has been reported. The following publications have been ascertained in the context of this evaluation (PMID: 28193763, 11857544). ClinVar contains an entry for this variant (Variation ID: 65542). Based on the evidence outlined above, the variant was classified as likely pathogenic.

GeneReviews
No classification provided. Condition: Chédiak-Higashi syndrome. Review status: no classification provided. Collection method: literature only. Allele origin: germline. Not counted in ClinVar's aggregate classification.

Literature cited by the submitters: PubMed 11857544 (cited by Women's Health and Genetics/Laboratory Corporation of America, LabCorp); PubMed 28193763 (cited by Women's Health and Genetics/Laboratory Corporation of America, LabCorp).